The following is an entry in ClinVar:

NM_000642.3(AGL):c.846+14G>A

Gene: AGL (amylo-alpha-1,6-glucosidase and 4-alpha-glucanotransferase; plus strand). Cytogenetic location: 1p21.2.
Variant type: single nucleotide variant.
Coding change: c.846+14G>A on transcript NM_000642.3 (MANE Select); 14 bases into the intron after coding-DNA position 846, G replaced by A.
Molecular consequence: intron variant.
Genome position (GRCh38, 1-based): chr1:99,870,595, G>A. VCF-style: chr1-99870595-G-A. GRCh37 (hg19) VCF-style: chr1-100336151-G-A.
Other names: c.846+14G>A (NM_001425327.1, NM_001425326.1, NM_001425325.1 and 3 more transcripts); c.642+14G>A (NM_001425328.1, NM_001425329.1); c.468+14G>A (NM_001425332.1); c.798+14G>A (NM_000646.3).
Identifiers: ClinVar variation 389050 (VCV000389050.16), dbSNP rs376827010, ClinGen allele CA966277.
Genomic context (GRCh38, chr1:99,870,595, plus strand): 5'-AAGAAAAGGGAATACCTGCTTTGATTGAAAATGATCACCATATGAATGTCAGTATGTACA[G>A]AGGAGTATCACACTAAAACAGAAAAAATTTCTAAAGCACACATTAAATATATGGTTGAAA-3'

ClinVar aggregate classification (germline): Conflicting classifications of pathogenicity. Review status: criteria provided, conflicting classifications (1 of 4 stars). 4 submissions from 4 submitters: Uncertain significance (1); Likely benign (3). Last evaluated 2025-12-15.

Conditions:
Glycogen storage disease type III (GSD3). Also called: FORBES DISEASE; Cori disease. Identifiers: Orphanet 366, MedGen C0017922, MONDO:0009291, OMIM 232400.

Allele frequency attached by ClinVar (database versions not stated): ESP Exome Variant Server 0.00008; gnomAD exomes 0.00009 and 0.00016; ExAC 0.00012; TOPMed 0.00012; gnomAD 0.00013 and 0.00014.
gnomAD v4.1: 253 of 1,613,664 alleles (0.016%); highest among the groups gnomAD compares: Non-Finnish European, 0.02%; no homozygotes.

Submissions (4):

Labcorp Genetics (formerly Invitae), Labcorp
Classification: Likely benign for Glycogen storage disease type III. Last evaluated: 2025-12-15. Review status: criteria provided, single submitter. Criteria: Invitae Variant Classification Sherloc (09022015). Collection method: clinical testing. Allele origin: germline.

Genome-Nilou Lab
Classification: Likely benign for Glycogen storage disease type III. Last evaluated: 2021-07-15. Review status: criteria provided, single submitter. Criteria: ACMG Guidelines, 2015. Collection method: clinical testing. Allele origin: germline. Affected: no.

Illumina Laboratory Services, Illumina
Classification: Uncertain significance for Glycogen storage disease type III. Last evaluated: 2018-01-12. Review status: criteria provided, single submitter. Criteria: ICSL Variant Classification Criteria 13 December 2019. Collection method: clinical testing. Allele origin: germline.

GeneDx
Classification: Likely benign. Last evaluated: 2016-09-14. Review status: criteria provided, single submitter. Criteria: GeneDx Variant Classification (06012015). Collection method: clinical testing. Allele origin: germline. Affected: yes.
Comment: This variant is considered likely benign or benign based on one or more of the following criteria: it is a conservative change, it occurs at a poorly conserved position in the protein, it is predicted to be benign by multiple in silico algorithms, and/or has population frequency not consistent with disease.